The following is an entry in ClinVar:

NM_014491.4(FOXP2):c.163C>T (p.Gln55Ter)

Gene: FOXP2 (forkhead box P2; plus strand). Cytogenetic location: 7q31.1.
Variant type: single nucleotide variant.
Coding change: c.163C>T on transcript NM_014491.4 (MANE Select); coding-DNA position 163, C replaced by T.
Protein change: p.Gln55Ter; replaces glutamine 55 with a stop codon.
Molecular consequence: nonsense. On other transcripts: non-coding transcript variant (2).
Genome position (GRCh38, 1-based): chr7:114,426,674, C>T. VCF-style: chr7-114426674-C-T. GRCh37 (hg19) VCF-style: chr7-114066729-C-T.
Other names: c.163C>T, p.Gln55Ter (NM_001172766.3, NM_001172767.2, NM_148898.4 and 2 more transcripts); short protein forms Q55*.
Identifiers: ClinVar variation 4884413 (VCV004884413.1).

ClinVar aggregate classification (germline): Likely pathogenic (1 of 4 stars; one submission).

Conditions:
Childhood apraxia of speech (SPCH1). Also called: DEVELOPMENTAL VERBAL DYSPRAXIA; SPEECH AND LANGUAGE DISORDER WITH OROFACIAL DYSPRAXIA; FOXP2-Related Speech and Language Disorder; Speech language disorder. Identifiers: Orphanet 209908, MedGen C0750927, MONDO:0011184, OMIM 602081.

Submission:

Division of Genetic & Genomic Pathology, Hong Kong Children's Hospital
Classification: Likely pathogenic for Childhood apraxia of speech. Last evaluated: 2024-11-28. Review status: criteria provided, single submitter. Criteria: ACMG Guidelines, 2015. Collection method: clinical testing. Allele origin: germline. Affected: yes.
Comment: The nonsense variant c.163C>T in the FOXP2 gene creates a premature stop codon in exon 2 (out of 17 exons) of the gene. It disrupts the original reading frame of the gene and is predicted to result in loss of protein function by nonsense-mediated mRNA decay. The variant is absent from the control populations (gnomAD v2.1.1 and v4.1.0). It has not been reported in Human Gene Mutation Database (HGMD, v2024.3) or ClinVar. The disease mechanism of FOXP2-related speech and language disorder was loss-of-function/ haploinsufficiency (PMID: 27336128). For these reasons, this variant is classified as likely pathogenic.

Literature cited by the submitters: PubMed 27336128.